The following is an entry in ClinVar:

ClinVar aggregate classification (germline): Uncertain significance (1 of 4 stars; one submission).

Submission:

Labcorp Genetics (formerly Invitae), Labcorp
Classification: Uncertain significance. Last evaluated: 2022-12-01. Review status: criteria provided, single submitter. Criteria: Invitae Variant Classification Sherloc (09022015). Collection method: clinical testing. Allele origin: germline.
Comment: In summary, the available evidence is currently insufficient to determine the role of this variant in disease. Therefore, it has been classified as a Variant of Uncertain Significance. Algorithms developed to predict the effect of missense changes on protein structure and function are either unavailable or do not agree on the potential impact of this missense change (SIFT: "Not Available"; PolyPhen-2: "Benign"; Align-GVGD: "Not Available"). This variant has not been reported in the literature in individuals affected with LEMD3-related conditions. Information on the frequency of this variant in the gnomAD database is not available, as this variant may be reported differently in the database. This sequence change replaces alanine, which is neutral and non-polar, with phenylalanine, which is neutral and non-polar, at codon 125 of the LEMD3 protein (p.Ala125Phe).

NM_014319.5(LEMD3):c.373_374delinsTT (p.Ala125Phe)

Genes: LEMD3 (LEM domain containing 3; plus strand), LOC130008224 (ATAC-STARR-seq lymphoblastoid silent region 4630; plus strand). Cytogenetic location: 12q14.3.
Variant type: Indel.
Coding change: c.373_374delinsTT on transcript NM_014319.5 (MANE Select); coding-DNA positions 373 to 374, GC replaced by TT.
Protein change: p.Ala125Phe; replaces alanine 125 with phenylalanine.
Molecular consequence: missense variant.
Genome position (GRCh38, 1-based): chr12:65,169,969-65,169,970, GC replaced by TT. VCF-style: chr12-65169969-GC-TT. GRCh37 (hg19) VCF-style: chr12-65563749-GC-TT.
Other names: c.373_374delinsTT, p.Ala125Phe (NM_001167614.2); short protein forms A125F.
Identifiers: ClinVar variation 2810716 (VCV002810716.3), dbSNP rs2498938321, ClinGen allele CA2739272175.
Genomic context (GRCh38, chr12:65,169,969, plus strand): 5'-GGGGGCCTGTGCCGAATCTCGGCCTCTGGCCCAGAGAGCCTCCTGGGAGGGCCCGGGGGC[GC>TT]CTCCGCCGCCCCCGCGGCTGGCAGCAAAGTGCTGCTGGGCTTCAGCTCGGACGAGTCGGA-3'
Protein context (NP_055134.2, residues 115-135): PESLLGGPGG[Ala125Phe]SAAPAAGSKV